The following is an entry in ClinVar:

ClinVar aggregate classification (germline): Uncertain significance (1 of 4 stars; one submission).

Conditions:
Hyper-IgE recurrent infection syndrome 1, autosomal dominant. Also called: JOB SYNDROME; Job's Syndrome; STAT3 Hyper IgE Syndrome; HYPER-IgE SYNDROME 1, AUTOSOMAL DOMINANT, WITH RECURRENT INFECTIONS; Hyper-IgE recurrent infection syndrome 1. Identifiers: Orphanet 2314, MedGen C2936739, MONDO:0007818, OMIM 147060.
STAT3 gain of function. Identifiers: MedGen C4288261.

Submission:

Labcorp Genetics (formerly Invitae), Labcorp
Classification: Uncertain significance for STAT3 gain of function; Hyper-IgE recurrent infection syndrome 1, autosomal dominant. Last evaluated: 2017-11-29. Review status: criteria provided, single submitter. Criteria: Invitae Variant Classification Sherloc (09022015). Collection method: clinical testing. Allele origin: germline.
Comment: This sequence change replaces glutamic acid with aspartic acid at codon 166 of the STAT3 protein (p.Glu166Asp). The glutamic acid residue is moderately conserved and there is a small physicochemical difference between glutamic acid and aspartic acid. This variant is not present in population databases (ExAC no frequency). This variant has not been reported in the literature in individuals with STAT3-related disease. Algorithms developed to predict the effect of missense changes on protein structure and function do not agree on the potential impact of this missense change (SIFT: "Deleterious"; PolyPhen-2: "Possibly Damaging"; Align-GVGD: "Class C0"). In summary, the available evidence is currently insufficient to determine the role of this variant in disease. Therefore, it has been classified as a Variant of Uncertain Significance.

NM_139276.3(STAT3):c.498G>C (p.Glu166Asp)

Gene: STAT3 (signal transducer and activator of transcription 3; minus strand). Cytogenetic location: 17q21.2.
Variant type: single nucleotide variant.
Coding change: c.498G>C on transcript NM_139276.3 (MANE Select); coding-DNA position 498, G replaced by C.
Protein change: p.Glu166Asp; replaces glutamic acid 166 with aspartic acid.
Molecular consequence: missense variant.
Genome position (GRCh38, 1-based): chr17:42,338,783, C>G on the plus strand (G>C on the coding strand, the complement: STAT3 is on the minus strand). VCF-style: chr17-42338783-C-G. GRCh37 (hg19) VCF-style: chr17-40490801-C-G.
Other names: c.498G>C, p.Glu166Asp (NM_001369519.1, NM_001369520.1, NM_001384984.1 and 15 more transcripts); c.420G>C, p.Glu140Asp (NM_001384985.1); c.402G>C, p.Glu134Asp (NM_001384989.1); short protein forms E166D, E134D, E140D.
Identifiers: ClinVar variation 542783 (VCV000542783.9), dbSNP rs1555568530, ClinGen allele CA399594800.